The following is an entry in ClinVar:

ClinVar aggregate classification (germline): Uncertain significance. Review status: criteria provided, multiple submitters, no conflicts (2 of 4 stars). 2 submissions from 2 submitters: Uncertain significance (2). Last evaluated 2024-10-02.

Allele frequency attached by ClinVar (database versions not stated): gnomAD exomes 0.00001; ExAC 0.00002.
gnomAD v4.1: 10 of 1,614,122 alleles (0.00062%); highest among the groups gnomAD compares: Non-Finnish European, 0.00085%; no homozygotes.

Submissions (2):

Ambry Genetics
Classification: Uncertain significance. Last evaluated: 2024-10-02. Review status: criteria provided, single submitter. Criteria: Ambry Variant Classification Scheme 2023. Collection method: clinical testing. Allele origin: germline.
Comment: The p.S329N variant (also known as c.986G>A), located in coding exon 10 of the SRP72 gene, results from a G to A substitution at nucleotide position 986. The serine at codon 329 is replaced by asparagine, an amino acid with highly similar properties. This amino acid position is conserved. In addition, this alteration is predicted to be tolerated by in silico analysis. Based on the available evidence, the clinical significance of this variant remains unclear.

GeneDx
Classification: Uncertain significance. Last evaluated: 2023-01-31. Review status: criteria provided, single submitter. Criteria: GeneDx Variant Classification Process June 2021. Collection method: clinical testing. Allele origin: germline. Affected: yes.
Comment: Not observed at significant frequency in large population cohorts (gnomAD); In silico analysis supports that this missense variant does not alter protein structure/function; Has not been previously published as pathogenic or benign to our knowledge

NM_006947.4(SRP72):c.986G>A (p.Ser329Asn)

Gene: SRP72 (signal recognition particle 72; plus strand). Cytogenetic location: 4q12.
Variant type: single nucleotide variant.
Coding change: c.986G>A on transcript NM_006947.4 (MANE Select); coding-DNA position 986, G replaced by A.
Protein change: p.Ser329Asn; replaces serine 329 with asparagine.
Molecular consequence: missense variant. On other transcripts: non-coding transcript variant (1).
Genome position (GRCh38, 1-based): chr4:56,484,764, G>A. VCF-style: chr4-56484764-G-A. GRCh37 (hg19) VCF-style: chr4-57350930-G-A.
Other names: c.803G>A, p.Ser268Asn (NM_001267722.2); short protein forms S268N, S329N.
Identifiers: ClinVar variation 2574195 (VCV002574195.2), dbSNP rs750170143, ClinGen allele CA2931249.
Genomic context (GRCh38, chr4:56,484,764, plus strand): 5'-TATTTTTCTTGTGGGGGTTGGATATCTTCTAGGCTGAACAATGCCGCAAAATATCTGCCA[G>A]TTTACAGTCCCAAAGTCCCGAGCATCTCTTACCTGTGTTAATCCAAGCTGCCCAGCTCTG-3'
Protein context (NP_008878.3, residues 319-339): QAEQCRKISA[Ser329Asn]LQSQSPEHLL